The following is an entry in ClinVar:

ClinVar aggregate classification (germline): Likely benign (1 of 4 stars; one submission).

Conditions:
NBAS-related disorder. Also called: NBAS-related condition.

Submission:

PreventionGenetics, part of Exact Sciences
Classification: Likely benign for NBAS-related condition. Last evaluated: 2026-09-22. Review status: criteria provided, single submitter. Criteria: ACMG Guidelines, 2015. Collection method: clinical testing. Allele origin: germline.
Comment: This variant is classified as likely benign based on ACMG/AMP sequence variant interpretation guidelines (Richards et al. 2015 PMID: 25741868, with internal and published modifications).

NM_015909.4(NBAS):c.60G>A (p.Glu20=)

Genes: NBAS (NBAS subunit of NRZ tethering complex; minus strand), LOC129933155 (ATAC-STARR-seq lymphoblastoid active region 15346; plus strand). Cytogenetic location: 2p24.3.
Variant type: single nucleotide variant.
Coding change: c.60G>A on transcript NM_015909.4 (MANE Select); coding-DNA position 60, G replaced by A.
Protein change: p.Glu20=; no amino-acid change (glutamic acid 20 retained).
Molecular consequence: synonymous variant. On other transcripts: non-coding transcript variant (1).
Genome position (GRCh38, 1-based): chr2:15,561,245, C>T on the plus strand (G>A on the coding strand, the complement: NBAS is on the minus strand). VCF-style: chr2-15561245-C-T. GRCh37 (hg19) VCF-style: chr2-15701369-C-T.
Identifiers: ClinVar variation 4992211 (VCV004992211.1).
Genomic context (GRCh38, chr2:15,561,245, plus strand): 5'-CACCTGTACTTCAGTCTCCGGTGGCCACTCGGTGTTGACCAACAAGTCATAGAGAATCGT[C>T]TCCTCCTCACCCTCTGCAGTGCCTGGACTCAAAGCCGGCCCTGACTCGGGGGCCGCCATG-3'
Protein context (NP_056993.2, residues 10-30): LSPGTAEGEE[Glu20=]TILYDLLVNT